The following is an entry in ClinVar:

NM_001378609.3(OTOGL):c.5463A>G (p.Ala1821=)

Gene: OTOGL (otogelin like; plus strand). Cytogenetic location: 12q21.31.
Variant type: single nucleotide variant.
Coding change: c.5463A>G on transcript NM_001378609.3 (MANE Select); coding-DNA position 5463, A replaced by G.
Protein change: p.Ala1821=; no amino-acid change (alanine 1821 retained).
Molecular consequence: synonymous variant.
Genome position (GRCh38, 1-based): chr12:80,353,380, A>G. VCF-style: chr12-80353380-A-G. GRCh37 (hg19) VCF-style: chr12-80747160-A-G.
Other names: c.5328A>G, p.Ala1776= (NM_001368062.3); c.5463A>G, p.Ala1821= (NM_001378610.3, NM_173591.7).
Identifiers: ClinVar variation 3352342 (VCV003352342.1).

ClinVar aggregate classification (germline): Likely benign (0 of 4 stars; one submission).

Conditions:
OTOGL-related disorder. Also called: OTOGL-related condition.

gnomAD v4.1: 74 of 1,602,038 alleles (0.0046%); highest among the groups gnomAD compares: Non-Finnish European, 0.0059%; no homozygotes.

Submission:

PreventionGenetics, part of Exact Sciences
Classification: Likely benign for OTOGL-related condition. Last evaluated: 2024-05-13. Review status: no assertion criteria provided. Collection method: clinical testing. Allele origin: germline.
Comment: This variant is classified as likely benign based on ACMG/AMP sequence variant interpretation guidelines (Richards et al. 2015 PMID: 25741868, with internal and published modifications).